The following is an entry in ClinVar:

NM_000222.3(KIT):c.1295G>A (p.Gly432Glu)

Gene: KIT (KIT proto-oncogene, receptor tyrosine kinase; plus strand). Cytogenetic location: 4q12.
Variant type: single nucleotide variant.
Coding change: c.1295G>A on transcript NM_000222.3 (MANE Select); coding-DNA position 1295, G replaced by A.
Protein change: p.Gly432Glu; replaces glycine 432 with glutamic acid.
Molecular consequence: missense variant.
Genome position (GRCh38, 1-based): chr4:54,723,647, G>A. VCF-style: chr4-54723647-G-A. GRCh37 (hg19) VCF-style: chr4-55589813-G-A.
Other names: c.1295G>A, p.Gly432Glu (NM_001093772.2, NM_001385285.1, NM_001385286.1); c.1298G>A, p.Gly433Glu (NM_001385284.1, NM_001385288.1, NM_001385290.1 and 1 more transcripts); short protein forms G432E, G433E.
Identifiers: ClinVar variation 4733784 (VCV004733784.1).
Genomic context (GRCh38, chr4:54,723,647, plus strand): 5'-AACCAGAAATCCTGACTTACGACAGGCTCGTGAATGGCATGCTCCAATGTGTGGCAGCAG[G>A]ATTCCCAGAGCCCACAATAGATTGGTATTTTTGTCCAGGAACTGAGCAGAGGTGAGATGA-3'
Protein context (NP_000213.1, residues 422-442): VNGMLQCVAA[Gly432Glu]FPEPTIDWYF

ClinVar aggregate classification (germline): Uncertain significance (1 of 4 stars; one submission).

Conditions:
Gastrointestinal stromal tumor. Also called: Gastrointestinal stromal tumor, somatic; Gastrointestinal stroma tumor. Identifiers: Orphanet 44890, MedGen C0238198, MeSH D046152, MONDO:0011719, OMIM 606764, HP:0100723.

Submission:

Labcorp Genetics (formerly Invitae), Labcorp
Classification: Uncertain significance for Gastrointestinal stromal tumor. Last evaluated: 2025-12-21. Review status: criteria provided, single submitter. Criteria: Invitae Variant Classification Sherloc (09022015). Collection method: clinical testing. Allele origin: germline.
Comment: This sequence change replaces glycine, which is neutral and non-polar, with glutamic acid, which is acidic and polar, at codon 432 of the KIT protein (p.Gly432Glu). This variant is not present in population databases (gnomAD no frequency). This variant has not been reported in the literature in individuals affected with KIT-related conditions. An algorithm developed to predict the effect of missense changes on protein structure and function (PolyPhen-2) suggests that this variant is likely to be disruptive. In summary, the available evidence is currently insufficient to determine the role of this variant in disease. Therefore, it has been classified as a Variant of Uncertain Significance.